The following is an entry in ClinVar:

NC_000011.10:g.(?_2587560)_(2587702_?)del

Gene: KCNQ1 (potassium voltage-gated channel subfamily Q member 1; plus strand). Cytogenetic location: 11p15.5.
Variant type: Deletion.
Identifiers: ClinVar variation 665043 (VCV000665043.7).

ClinVar aggregate classification (germline): Likely pathogenic (1 of 4 stars; one submission).

Conditions:
Long QT syndrome (LQTS). Identifiers: MedGen C0023976, MeSH D008133, MONDO:0002442. Disease mechanism: loss of function. Inheritance: Various modes of inheritance.

Submission:

Labcorp Genetics (formerly Invitae), Labcorp
Classification: Likely pathogenic for Long QT syndrome. Last evaluated: 2021-08-12. Review status: criteria provided, single submitter. Criteria: Invitae Variant Classification Sherloc (09022015). Collection method: clinical testing. Allele origin: germline.
Comment: This variant is a gross deletion of the genomic region encompassing exon(s) 9 of the KCNQ1 gene. This variant would be expected to be in-frame, preserving the integrity of the reading frame. This variant has not been reported in the literature in individuals affected with KCNQ1-related conditions. Experimental studies and prediction algorithms are not available or were not evaluated, and the functional significance of this variant is currently unknown. This variant disrupts the p. Arg380 amino acid residue in KCNQ1. Other variant(s) that disrupt this residue have been determined to be pathogenic (PMID: 22949429, 26344792; Invitae). This suggests that this residue is clinically significant, and that variants that disrupt this residue are likely to be disease-causing. In summary, the currently available evidence indicates that the variant is pathogenic, but additional data are needed to prove that conclusively. Therefore, this variant has been classified as Likely Pathogenic.

Literature cited by the submitters: PubMed 22949429; PubMed 26344792.